The following is an entry in ClinVar:

ClinVar aggregate classification (germline): Uncertain significance (1 of 4 stars; one submission).

Submission:

Labcorp Genetics (formerly Invitae), Labcorp
Classification: Uncertain significance. Last evaluated: 2023-12-02. Review status: criteria provided, single submitter. Criteria: Invitae Variant Classification Sherloc (09022015). Collection method: clinical testing. Allele origin: germline.
Comment: This sequence change replaces glycine, which is neutral and non-polar, with arginine, which is basic and polar, at codon 3394 of the KMT2A protein (p.Gly3394Arg). This variant is not present in population databases (gnomAD no frequency). This variant has not been reported in the literature in individuals affected with KMT2A-related conditions. Advanced modeling of protein sequence and biophysical properties (such as structural, functional, and spatial information, amino acid conservation, physicochemical variation, residue mobility, and thermodynamic stability) has been performed at Invitae for this missense variant, however the output from this modeling did not meet the statistical confidence thresholds required to predict the impact of this variant on KMT2A protein function. In summary, the available evidence is currently insufficient to determine the role of this variant in disease. Therefore, it has been classified as a Variant of Uncertain Significance.

NM_001197104.2(KMT2A):c.10180G>A (p.Gly3394Arg)

Gene: KMT2A (lysine methyltransferase 2A; plus strand). Cytogenetic location: 11q23.3.
Variant type: single nucleotide variant.
Coding change: c.10180G>A on transcript NM_001197104.2 (MANE Select); coding-DNA position 10180, G replaced by A.
Protein change: p.Gly3394Arg; replaces glycine 3394 with arginine.
Molecular consequence: missense variant.
Genome position (GRCh38, 1-based): chr11:118,506,072, G>A. VCF-style: chr11-118506072-G-A. GRCh37 (hg19) VCF-style: chr11-118376787-G-A.
Other names: c.10270G>A, p.Gly3424Arg (NM_001412597.1); c.10171G>A, p.Gly3391Arg (NM_005933.4); short protein forms G3394R, G3391R, G3424R.
Identifiers: ClinVar variation 2700412 (VCV002700412.3), dbSNP rs782235007, ClinGen allele CA382822826.